The following is an entry in ClinVar:

NM_014363.6(SACS):c.5777G>A (p.Ser1926Asn)

Gene: SACS (sacsin molecular chaperone; minus strand). Cytogenetic location: 13q12.12.
Variant type: single nucleotide variant.
Coding change: c.5777G>A on transcript NM_014363.6 (MANE Select); coding-DNA position 5777, G replaced by A.
Protein change: p.Ser1926Asn; replaces serine 1926 with asparagine.
Molecular consequence: missense variant.
Genome position (GRCh38, 1-based): chr13:23,338,099, C>T on the plus strand (G>A on the coding strand, the complement: SACS is on the minus strand). VCF-style: chr13-23338099-C-T. GRCh37 (hg19) VCF-style: chr13-23912238-C-T.
Other names: c.5336G>A, p.Ser1779Asn (NM_001278055.2); short protein forms S1779N, S1926N.
Identifiers: ClinVar variation 3766248 (VCV003766248.1).
Genomic context (GRCh38, chr13:23,338,099, plus strand): 5'-CATACTGCATAGTAAGTATAATCCATTAGCTCCCCACTAGTGGCCAGGTCCCGTAAGACA[C>T]TCAGTACCTGTAAGTAAGCTTTCACAATAACATGTCTCATGAACGTGGTATTCCATCGTC-3'
Protein context (NP_055178.3, residues 1916-1936): VIVKAYLQVL[Ser1926Asn]VLRDLATSGE

ClinVar aggregate classification (germline): Uncertain significance (1 of 4 stars; one submission).

Submission:

GeneDx
Classification: Uncertain significance. Last evaluated: 2024-08-25. Review status: criteria provided, single submitter. Criteria: GeneDx Variant Classification Process June 2021. Collection method: clinical testing. Allele origin: germline. Affected: yes.
Comment: Not observed at significant frequency in large population cohorts (gnomAD); In silico analysis indicates that this missense variant does not alter protein structure/function; Has not been previously published as pathogenic or benign to our knowledge